The following is an entry in ClinVar:

ClinVar aggregate classification (germline): Uncertain significance (1 of 4 stars; one submission).

Allele frequency attached by ClinVar (database versions not stated): ExAC 0.00004; gnomAD exomes 0.00004 and 0.00006; TOPMed 0.00004; gnomAD 0.00005.
gnomAD v4.1: 92 of 1,613,832 alleles (0.0057%); highest among the groups gnomAD compares: Non-Finnish European, 0.007%; no homozygotes.

Submission:

Labcorp Genetics (formerly Invitae), Labcorp
Classification: Uncertain significance. Last evaluated: 2025-07-17. Review status: criteria provided, single submitter. Criteria: Invitae Variant Classification Sherloc (09022015). Collection method: clinical testing. Allele origin: germline.
Comment: This sequence change falls in intron 43 of the ATR gene. It does not directly change the encoded amino acid sequence of the ATR protein. It affects a nucleotide within the consensus splice site. This variant is present in population databases (rs751010998, gnomAD 0.008%). This variant has not been reported in the literature in individuals affected with ATR-related conditions. ClinVar contains an entry for this variant (Variation ID: 968353). Variants that disrupt the consensus splice site are a relatively common cause of aberrant splicing (PMID: 17576681, 9536098). Algorithms developed to predict the effect of sequence changes on RNA splicing suggest that this variant is not likely to affect RNA splicing. In summary, the available evidence is currently insufficient to determine the role of this variant in disease. Therefore, it has been classified as a Variant of Uncertain Significance.

Literature cited by the submitters: PubMed 17576681; PubMed 9536098.

NM_001184.4(ATR):c.7350-3T>C

Gene: ATR (ATR checkpoint kinase; minus strand). Cytogenetic location: 3q23.
Variant type: single nucleotide variant.
Coding change: c.7350-3T>C on transcript NM_001184.4 (MANE Select); 3 bases into the intron before coding-DNA position 7350, T replaced by C.
Molecular consequence: intron variant.
Genome position (GRCh38, 1-based): chr3:142,459,114, A>G on the plus strand (T>C on the coding strand, the complement: ATR is on the minus strand). VCF-style: chr3-142459114-A-G. GRCh37 (hg19) VCF-style: chr3-142177956-A-G.
Other names: c.7158-3T>C (NM_001354579.2).
Identifiers: ClinVar variation 968353 (VCV000968353.6), dbSNP rs751010998, ClinGen allele CA2649145.